The following is an entry in ClinVar:

NM_001375834.1(WIPF1):c.265G>T (p.Gly89Cys)

Genes: WIPF1 (WAS/WASL interacting protein family member 1; minus strand), WIPF1-AS1 (WIPF1 and CHRNA1 antisense RNA 1; plus strand). Cytogenetic location: 2q31.1.
Variant type: single nucleotide variant.
Coding change: c.265G>T on transcript NM_001375834.1 (MANE Select); coding-DNA position 265, G replaced by T.
Protein change: p.Gly89Cys; replaces glycine 89 with cysteine.
Molecular consequence: missense variant. On other transcripts: intron variant (1).
Genome position (GRCh38, 1-based): chr2:174,575,297, C>A on the plus strand (G>T on the coding strand, the complement: WIPF1 is on the minus strand). VCF-style: chr2-174575297-C-A. GRCh37 (hg19) VCF-style: chr2-175440025-C-A.
Other names: c.265G>T, p.Gly89Cys (NM_001077269.1, NM_001375835.1, NM_001375836.1 and 5 more transcripts); c.182-3052G>T (NM_001375839.1); short protein forms G89C.
Identifiers: ClinVar variation 1913263 (VCV001913263.3), dbSNP rs778700289, ClinGen allele CA1974185.

ClinVar aggregate classification (germline): Uncertain significance (1 of 4 stars; one submission).

Conditions:
Wiskott-Aldrich syndrome 2 (WAS2). Also called: WIPF1 DEFICIENCY. Identifiers: Orphanet 906, MedGen C3281001, MONDO:0013779, OMIM 614493.

gnomAD v4.1: 2 of 1,613,572 alleles (0.00012%); highest among the groups gnomAD compares: Non-Finnish European, 0.00017%; no homozygotes.

Submission:

Labcorp Genetics (formerly Invitae), Labcorp
Classification: Uncertain significance for Wiskott-Aldrich syndrome 2. Last evaluated: 2021-12-21. Review status: criteria provided, single submitter. Criteria: Invitae Variant Classification Sherloc (09022015). Collection method: clinical testing. Allele origin: germline.
Comment: This variant is present in population databases (rs778700289, gnomAD 0.0009%). This sequence change replaces glycine, which is neutral and non-polar, with cysteine, which is neutral and slightly polar, at codon 89 of the WIPF1 protein (p.Gly89Cys). This variant has not been reported in the literature in individuals affected with WIPF1-related conditions. In summary, the available evidence is currently insufficient to determine the role of this variant in disease. Therefore, it has been classified as a Variant of Uncertain Significance. Algorithms developed to predict the effect of missense changes on protein structure and function are either unavailable or do not agree on the potential impact of this missense change (SIFT: "Not Available"; PolyPhen-2: "Possibly Damaging"; Align-GVGD: "Not Available").